The following is an entry in ClinVar:

NM_001204.7(BMPR2):c.63C>T (p.Val21=)

Gene: BMPR2 (bone morphogenetic protein receptor type 2; plus strand). Cytogenetic location: 2q33.1.
Variant type: single nucleotide variant.
Coding change: c.63C>T on transcript NM_001204.7 (MANE Select); coding-DNA position 63, C replaced by T.
Protein change: p.Val21=; no amino-acid change (valine 21 retained).
Molecular consequence: synonymous variant.
Genome position (GRCh38, 1-based): chr2:202,377,537, C>T. VCF-style: chr2-202377537-C-T. GRCh37 (hg19) VCF-style: chr2-203242260-C-T.
Other names: p.Val21=.
Identifiers: ClinVar variation 698629 (VCV000698629.19), dbSNP rs149973695, ClinGen allele CA2061006.

ClinVar aggregate classification (germline): Benign/Likely benign. Review status: criteria provided, multiple submitters, no conflicts (2 of 4 stars). 5 submissions from 5 submitters: Benign (2); Likely benign (3). Last evaluated 2026-01-19.

Conditions:
Pulmonary hypertension, primary, 1 (PPH1). Also called: Pulmonary hypertension, familial primary, 1, with or without HHT. Identifiers: Orphanet 422, MedGen C4552070, MONDO:0024533, OMIM 178600.
Pulmonary venoocclusive disease 1 (PVOD1). Also called: Pulmonary venoocclusive disease 1, autosomal dominant. Identifiers: Orphanet 31837, MedGen C3887658, MONDO:0020713, OMIM 265450.
Primary pulmonary hypertension. Also called: Idiopathic pulmonary hypertension. Identifiers: MedGen C0152171.
Inborn genetic diseases. Identifiers: MedGen C0950123, MeSH D030342.

Allele frequency attached by ClinVar (database versions not stated): gnomAD 0.00040 and 0.00036; gnomAD exomes 0.00003 and 0.00006; ExAC 0.00006; ESP Exome Variant Server 0.00023; TOPMed 0.00035.
gnomAD v4.1: 107 of 1,614,080 alleles (0.0066%); highest among the groups gnomAD compares: African/African-American, 0.11%; no homozygotes.

Submissions (5):

Labcorp Genetics (formerly Invitae), Labcorp
Classification: Benign for Primary pulmonary hypertension. Last evaluated: 2026-01-19. Review status: criteria provided, single submitter. Criteria: Invitae Variant Classification Sherloc (09022015). Collection method: clinical testing. Allele origin: germline.

Mayo Clinic Laboratories, Mayo Clinic
Classification: Likely benign. Last evaluated: 2025-04-14. Review status: criteria provided, single submitter. Criteria: ACMG Guidelines, 2015. Collection method: clinical testing. Allele origin: germline. Observed: 1 variant allele.
Comment: BP4, BP7

Ambry Genetics
Classification: Likely benign for Inborn genetic diseases. Last evaluated: 2023-01-01. Review status: criteria provided, single submitter. Criteria: Ambry Variant Classification Scheme 2023. Collection method: clinical testing. Allele origin: germline.

Fulgent Genetics
Classification: Likely benign for Pulmonary hypertension, primary, 1; Pulmonary venoocclusive disease 1. Last evaluated: 2022-03-03. Review status: criteria provided, single submitter. Criteria: ACMG Guidelines, 2015. Collection method: clinical testing. Allele origin: unknown.

ARUP Laboratories, Molecular Genetics and Genomics, ARUP Laboratories
Classification: Benign. Last evaluated: 2021-09-21. Review status: criteria provided, single submitter. Criteria: ARUP Molecular Germline Variant Investigation Process 2021. Collection method: clinical testing. Allele origin: germline.